The following is an entry in ClinVar:

ClinVar aggregate classification (germline): Uncertain significance. Review status: criteria provided, multiple submitters, no conflicts (2 of 4 stars). 3 submissions from 3 submitters: Uncertain significance (3). Last evaluated 2026-06-10.

Conditions:
Charcot-Marie-Tooth disease axonal type 2U. Also called: CHARCOT-MARIE-TOOTH NEUROPATHY, TYPE 2U; CHARCOT-MARIE-TOOTH DISEASE, AXONAL, AUTOSOMAL DOMINANT, TYPE 2U. Identifiers: Orphanet 397735, MedGen C4084821, MONDO:0014566, OMIM 616280.
Severe early-onset pulmonary alveolar proteinosis due to MARS deficiency. Also called: Interstitial lung and liver disease; PULMONARY ALVEOLAR PROTEINOSIS, REUNION ISLAND. Identifiers: Orphanet 440427, MedGen C4225400, MONDO:0014206, OMIM 615486.
MARS1-related disorder. Also called: MARS1-related condition.

Allele frequency attached by ClinVar (database versions not stated): gnomAD exomes below 0.00001; TOPMed below 0.00001; gnomAD 0.00001.
gnomAD v4.1: 2 of 1,614,020 alleles (0.00012%); highest among the groups gnomAD compares: Non-Finnish European, 0.00017%; no homozygotes.

Submissions (3):

PreventionGenetics, part of Exact Sciences
Classification: Uncertain significance for MARS1-related condition. Last evaluated: 2026-06-10. Review status: criteria provided, single submitter. Criteria: ACMG Guidelines, 2015. Collection method: clinical testing. Allele origin: germline.
Comment: The MARS1 c.2157T>G variant is predicted to result in the amino acid substitution p.Ile719Met. To our knowledge, this variant has not been reported in the literature or in a large population database (gnomAD), indicating this variant is rare. At this time, the clinical significance of this variant is uncertain due to the absence of conclusive functional and genetic evidence.

Labcorp Genetics (formerly Invitae), Labcorp
Classification: Uncertain significance for Charcot-Marie-Tooth disease axonal type 2U; Severe early-onset pulmonary alveolar proteinosis due to MARS deficiency. Last evaluated: 2023-01-10. Review status: criteria provided, single submitter. Criteria: Invitae Variant Classification Sherloc (09022015). Collection method: clinical testing. Allele origin: germline.
Comment: In summary, the available evidence is currently insufficient to determine the role of this variant in disease. Therefore, it has been classified as a Variant of Uncertain Significance. Algorithms developed to predict the effect of missense changes on protein structure and function (SIFT, PolyPhen-2, Align-GVGD) all suggest that this variant is likely to be tolerated. ClinVar contains an entry for this variant (Variation ID: 1681776). This variant has not been reported in the literature in individuals affected with MARS-related conditions. This variant is not present in population databases (gnomAD no frequency). This sequence change replaces isoleucine, which is neutral and non-polar, with methionine, which is neutral and non-polar, at codon 719 of the MARS protein (p.Ile719Met).

Breakthrough Genomics
Classification: Uncertain significance. Review status: criteria provided, single submitter. Criteria: ACMG Guidelines, 2015. Collection method: not provided. Allele origin: germline. Inheritance: Autosomal recessive inheritance. Affected: yes.

NM_004990.4(MARS1):c.2157T>G (p.Ile719Met)

Gene: MARS1 (methionyl-tRNA synthetase 1; plus strand). Cytogenetic location: 12q13.3.
Variant type: single nucleotide variant.
Coding change: c.2157T>G on transcript NM_004990.4 (MANE Select); coding-DNA position 2157, T replaced by G.
Protein change: p.Ile719Met; replaces isoleucine 719 with methionine.
Molecular consequence: missense variant.
Genome position (GRCh38, 1-based): chr12:57,515,011, T>G. VCF-style: chr12-57515011-T-G. GRCh37 (hg19) VCF-style: chr12-57908794-T-G.
Other names: c.2157T>G (NM_004990.3); short protein forms I719M.
Identifiers: ClinVar variation 1681776 (VCV001681776.10), dbSNP rs1877717622, ClinGen allele CA385465448.